The following is an entry in ClinVar:

ClinVar aggregate classification (germline): Conflicting classifications of pathogenicity. Review status: criteria provided, conflicting classifications (1 of 4 stars). 10 submissions from 10 submitters: Uncertain significance (8); Likely benign (1). 1 of the submissions does not count toward it. Last evaluated 2026-05-31.

Conditions:
Hereditary cancer-predisposing syndrome. Also called: Neoplastic Syndromes, Hereditary; Hereditary neoplastic syndrome; Tumor predisposition; Hereditary Cancer Syndrome. Identifiers: Orphanet 140162, MedGen C0027672, MeSH D009386, MONDO:0015356.
Hereditary breast ovarian cancer syndrome. Also called: Hereditary breast and/or ovarian cancer syndrome; Breast and ovarian cancer; BRCA1- and BRCA2-Associated Hereditary Breast and Ovarian Cancer; Hereditary breast and ovarian cancer; Hereditary breast and ovarian cancer syndrome; Hereditary breast and ovarian cancer syndrome (HBOC). Identifiers: Orphanet 145, MedGen C0677776, MeSH D061325, MONDO:0003582. Disease mechanism: loss of function.
Breast-ovarian cancer, familial, susceptibility to, 2 (BROVCA2). Also called: BRCA2 Hereditary Breast and Ovarian Cancer. Identifiers: Orphanet 145, MedGen C2675520, MONDO:0012933, OMIM 612555. Disease mechanism: loss of function.

gnomAD v4.1: 2 of 1,614,000 alleles (0.00012%); highest among the groups gnomAD compares: East Asian, 0.0045%; no homozygotes.

Submissions (10):

Ambry Genetics
Classification: Likely benign for Hereditary cancer-predisposing syndrome. Last evaluated: 2026-05-31. Review status: criteria provided, single submitter. Criteria: Ambry Variant Classification Scheme 2023. Collection method: clinical testing. Allele origin: germline.

Labcorp Genetics (formerly Invitae), Labcorp
Classification: Uncertain significance for Hereditary breast ovarian cancer syndrome. Last evaluated: 2026-01-19. Review status: criteria provided, single submitter. Criteria: Invitae Variant Classification Sherloc (09022015). Collection method: clinical testing. Allele origin: germline.
Comment: This sequence change replaces valine, which is neutral and non-polar, with phenylalanine, which is neutral and non-polar, at codon 3244 of the BRCA2 protein (p.Val3244Phe). This variant is present in population databases (rs11571831, gnomAD 0.01%). This missense change has been observed in individual(s) with breast and/or ovarian cancer (PMID: 28664449). ClinVar contains an entry for this variant (Variation ID: 38263). Invitae Evidence Modeling of protein sequence and biophysical properties (such as structural, functional, and spatial information, amino acid conservation, physicochemical variation, residue mobility, and thermodynamic stability) indicates that this missense variant is not expected to disrupt BRCA2 protein function with a negative predictive value of 95%. RNA analysis performed to evaluate the impact of this missense change on mRNA splicing indicates it does not significantly alter splicing (internal data). In summary, the available evidence is currently insufficient to determine the role of this variant in disease. Therefore, it has been classified as a Variant of Uncertain Significance.

Helix
Classification: Uncertain significance for Breast-ovarian cancer, familial, susceptibility to, 2. Last evaluated: 2025-09-05. Review status: criteria provided, single submitter. Criteria: ACMG Guidelines, 2015. Collection method: clinical testing. Allele origin: germline. Inheritance: Autosomal dominant inheritance.
Comment: This variant (NM_000059.4:c.9730G>T p.Val3244Phe) results in the substitution of valine with phenylalanine at codon 3244 in the BRCA2 protein. It is present in the gnomAD population database (v4.1) at the highest allele frequency in the East Asian subpopulation among non-founder subpopulations (2/44886 alleles, 0.0045%). This variant has been observed in individual(s) with a personal and/or family history of BRCA2-related conditions (PMID: 28664449). In silico prediction from SpliceAI (PMID: 30661751) suggests this variant may have an impact on splicing. This variant is present in ClinVar (Accession: VCV000038263.22). In conclusion, since the available evidence is limited, the clinical significance of this variant is unclear at this time. Therefore, it is classified as a Variant of Uncertain Significance.

All of Us Research Program, National Institutes of Health
Classification: Uncertain significance for Breast-ovarian cancer, familial, susceptibility to, 2. Last evaluated: 2023-12-18. Review status: criteria provided, single submitter. Criteria: ACMG Guidelines, 2015. Collection method: clinical testing. Allele origin: germline. Inheritance: Autosomal dominant inheritance. Observed: 2 variant alleles, 2 heterozygotes.
Comment: This missense variant replaces valine with phenylalanine at codon 3244 of the BRCA2 protein. Computational prediction suggests that this variant may not impact protein structure and function (internally defined REVEL score threshold <= 0.5, PMID: 27666373). To our knowledge, functional studies have not been reported for this variant. This variant has been reported in an individual affected with breast cancer (PMID: 28664449) and an individual affected with prostate cancer (PMID: 36922933). This variant has been identified in 3/251200 chromosomes in the general population by the Genome Aggregation Database (gnomAD). The available evidence is insufficient to determine the role of this variant in disease conclusively. Therefore, this variant is classified as a Variant of Uncertain Significance.

This study involves interpretation of variants in research participants for the purpose of population health screening. Participant phenotype was not available at the time of variant classification. Additional details can be found in publication PMID: 35346344, PMCID: PMC8962531

Color Diagnostics, LLC DBA Color Health
Classification: Uncertain significance for Hereditary cancer-predisposing syndrome. Last evaluated: 2023-11-10. Review status: criteria provided, single submitter. Criteria: ACMG Guidelines, 2015. Collection method: clinical testing. Allele origin: germline.
Comment: This missense variant replaces valine with phenylalanine at codon 3244 of the BRCA2 protein. Computational prediction suggests that this variant may not impact protein structure and function (internally defined REVEL score threshold <= 0.5, PMID: 27666373). To our knowledge, functional studies have not been reported for this variant. This variant has been reported in an individual affected with breast cancer (PMID: 28664449) and an individual affected with prostate cancer (PMID: 36922933). This variant has been identified in 3/251200 chromosomes in the general population by the Genome Aggregation Database (gnomAD). The available evidence is insufficient to determine the role of this variant in disease conclusively. Therefore, this variant is classified as a Variant of Uncertain Significance.

Blueprint Genetics
Classification: Uncertain significance. Last evaluated: 2023-04-18. Review status: criteria provided, single submitter. Criteria: ACMG Guidelines, 2015. Collection method: clinical testing. Allele origin: germline.

Quest Diagnostics Nichols Institute San Juan Capistrano
Classification: Uncertain significance. Last evaluated: 2022-10-11. Review status: criteria provided, single submitter. Criteria: Quest Diagnostics criteria. Collection method: clinical testing. Allele origin: unknown.
Comment: The frequency of this variant in the general population, 0.000012 (3/251200 chromosomes), is uninformative in assessment of its pathogenicity. In the published literature, the variant has been reported in an individual affected with breast cancer (PMID: 28664449 (2017)). It also has been reported in unaffected individuals in a large breast cancer screening study (PMID: 32467295 (2020)). Analysis of this variant using bioinformatics tools for the prediction of the effect of amino acid changes on protein structure and function yielded predictions that this variant is benign. Based on the available information, we are unable to determine the clinical significance of this variant.

GeneDx
Classification: Uncertain significance. Last evaluated: 2017-07-31. Review status: criteria provided, single submitter. Criteria: GeneDx Variant Classification (06012015). Collection method: clinical testing. Allele origin: germline. Affected: yes.
Comment: This variant is denoted BRCA2 c.9730G>T at the cDNA level, p.Val3244Phe (V3244F) at the protein level, and results in the change of a Valine to a Phenylalanine (GTC>TTC). Using alternate nomenclature, this variant would be defined as BRCA2 9958G>T. This variant has been observed in at least one individual with breast cancer (Li 2017). BRCA2 Val3244Phe was not observed at a significant allele frequency in large population cohorts (NHLBI Exome Sequencing Project, The 1000 Genomes Consortium 2015, Lek 2016). Since Valine and Phenylalanine differ in some properties, this is considered a semi-conservative amino acid substitution. BRCA2 Val3244Phe occurs at a position that is not conserved and is not located in a known functional domain. In silico analyses predict that this variant is unlikely to alter protein structure or function. Based on currently available evidence, it is unclear whether BRCA2 Val3244Phe is a pathogenic or benign variant. We consider it to be a variant of uncertain significance.

Women's Health and Genetics/Laboratory Corporation of America, LabCorp
Classification: Uncertain significance. Last evaluated: 2016-08-15. Review status: criteria provided, single submitter. Criteria: LabCorp Variant Classification Summary - May 2015. Collection method: clinical testing. Allele origin: germline.
Comment: Variant summary: The BRCA2 c.9730G>T (p.Val3244Phe) variant involves the alteration of a non-conserved nucleotide. 3/4 in silico tools predict a benign outcome for this variant (SNPs&GO not captured due to low reliability index). This variant was found in 1/121354 control chromosomes at a frequency of 0.0000082, which does not exceed the estimated maximal expected allele frequency of a pathogenic BRCA2 variant (0.0007503). In addition, multiple clinical diagnostic laboratories/reputable databases classified this variant as uncertain significance/likely neutral. The variant of interest has not, to our knowledge, been reported in affected individuals via publications and/or reputable databases/clinical diagnostic laboratories; nor evaluated for functional impact by in vivo/vitro studies. Because of the absence of clinical information and the lack of functional studies, the variant is classified as a variant of uncertain significance (VUS) until additional information becomes available.

Sharing Clinical Reports Project (SCRP)
Classification: Uncertain significance for Breast-ovarian cancer, familial 2. Last evaluated: 2010-06-11. Review status: no assertion criteria provided. Collection method: clinical testing. Allele origin: germline. Not counted in ClinVar's aggregate classification.

Literature cited by the submitters: PubMed 28664449 (cited by 5 submitters); PubMed 36922933 (cited by All of Us Research Program, National Institutes of Health and Color Diagnostics, LLC DBA Color Health); PubMed 32467295 (cited by Quest Diagnostics Nichols Institute San Juan Capistrano); PubMed 31825140 (cited by Quest Diagnostics Nichols Institute San Juan Capistrano).

NM_000059.4(BRCA2):c.9730G>T (p.Val3244Phe)

Gene: BRCA2 (BRCA2 DNA repair associated; plus strand). Cytogenetic location: 13q13.1.
Variant type: single nucleotide variant.
Coding change: c.9730G>T on transcript NM_000059.4 (MANE Select); coding-DNA position 9730, G replaced by T.
Protein change: p.Val3244Phe; replaces valine 3244 with phenylalanine.
Molecular consequence: missense variant.
Genome position (GRCh38, 1-based): chr13:32,398,243, G>T. VCF-style: chr13-32398243-G-T. GRCh37 (hg19) VCF-style: chr13-32972380-G-T.
Other names: 9958G>T; short protein forms V3244F.
Identifiers: ClinVar variation 38263 (VCV000038263.26), dbSNP rs11571831, ClinGen allele CA026288.